The following is an entry in ClinVar:

ClinVar aggregate classification (germline): Pathogenic (1 of 4 stars; one submission).

Conditions:
Glycine encephalopathy. Also called: Nonketotic hyperglycinemia; Non-ketotic hyperglycinemia. Identifiers: Orphanet 407, MedGen C0751748, MONDO:0011612, HP:0008288.

Allele frequency attached by ClinVar (database versions not stated): TOPMed below 0.00001.

Submission:

Labcorp Genetics (formerly Invitae), Labcorp
Classification: Pathogenic for Glycine encephalopathy. Last evaluated: 2025-08-10. Review status: criteria provided, single submitter. Criteria: Invitae Variant Classification Sherloc (09022015). Collection method: clinical testing. Allele origin: germline.
Comment: This sequence change replaces tyrosine, which is neutral and polar, with aspartic acid, which is acidic and polar, at codon 608 of the GLDC protein (p.Tyr608Asp). This variant is not present in population databases (gnomAD no frequency). This missense change has been observed in individual(s) with glycine encephalopathy (PMID: 27362913). In at least one individual the data is consistent with being in trans (on the opposite chromosome) from a pathogenic variant. ClinVar contains an entry for this variant (Variation ID: 2735247). Invitae Evidence Modeling of protein sequence and biophysical properties (such as structural, functional, and spatial information, amino acid conservation, physicochemical variation, residue mobility, and thermodynamic stability) indicates that this missense variant is expected to disrupt GLDC protein function with a positive predictive value of 95%. For these reasons, this variant has been classified as Pathogenic.

Literature cited by the submitters: PubMed 27362913.

NM_000170.3(GLDC):c.1822T>G (p.Tyr608Asp)

Gene: GLDC (glycine decarboxylase; minus strand). Cytogenetic location: 9p24.1.
Variant type: single nucleotide variant.
Coding change: c.1822T>G on transcript NM_000170.3 (MANE Select); coding-DNA position 1822, T replaced by G.
Protein change: p.Tyr608Asp; replaces tyrosine 608 with aspartic acid.
Molecular consequence: missense variant.
Genome position (GRCh38, 1-based): chr9:6,587,169, A>C on the plus strand (T>G on the coding strand, the complement: GLDC is on the minus strand). VCF-style: chr9-6587169-A-C. GRCh37 (hg19) VCF-style: chr9-6587169-A-C.
Other names: short protein forms Y608D.
Identifiers: ClinVar variation 2735247 (VCV002735247.3), dbSNP rs1163159065, ClinGen allele CA372891277.